The following is an entry in ClinVar:

NM_000053.4(ATP7B):c.558T>C (p.Thr186=)

Gene: ATP7B (ATPase copper transporting beta; minus strand). Cytogenetic location: 13q14.3.
Variant type: single nucleotide variant.
Coding change: c.558T>C on transcript NM_000053.4 (MANE Select); coding-DNA position 558, T replaced by C.
Protein change: p.Thr186=; no amino-acid change (threonine 186 retained).
Molecular consequence: synonymous variant.
Genome position (GRCh38, 1-based): chr13:51,974,662, A>G on the plus strand (T>C on the coding strand, the complement: ATP7B is on the minus strand). VCF-style: chr13-51974662-A-G. GRCh37 (hg19) VCF-style: chr13-52548798-A-G.
Other names: c.558T>C, p.Thr186= (NM_001406542.1, NM_001406545.1, NM_001406546.1 and 30 more transcripts); c.462T>C, p.Thr154= (NM_001406543.1, NM_001406544.1, NM_001406517.1 and 4 more transcripts).
Identifiers: ClinVar variation 3385819 (VCV003385819.2).
Genomic context (GRCh38, chr13:51,974,662, plus strand): 5'-AAATCCCATGTCATTTACATGGTCCCTGAGGTCTTCGGGCTGAATGAGATAAGGCTGATA[A>G]GTGATGACGGCCTCTTGGTTGCTGAGTGAGACTTTGACTCTCACTACTCCTTGCAGTTTC-3'
Protein context (NP_000044.2, residues 176-196): VSLSNQEAVI[Thr186=]YQPYLIQPED

ClinVar aggregate classification (germline): Likely benign. Review status: criteria provided, multiple submitters, no conflicts (2 of 4 stars). 2 submissions from 2 submitters: Likely benign (2). Last evaluated 2026-01-26.

Conditions:
Wilson disease (WND). Also called: Wilson's disease. Identifiers: Orphanet 905, MedGen C0019202, MONDO:0010200, OMIM 277900. Disease mechanism: loss of function.

Submissions (2):

Labcorp Genetics (formerly Invitae), Labcorp
Classification: Likely benign for Wilson disease. Last evaluated: 2026-01-26. Review status: criteria provided, single submitter. Criteria: Invitae Variant Classification Sherloc (09022015). Collection method: clinical testing. Allele origin: germline.

All of Us Research Program, National Institutes of Health
Classification: Likely benign for Wilson disease. Last evaluated: 2024-06-09. Review status: criteria provided, single submitter. Criteria: ACMG Guidelines, 2015. Collection method: clinical testing. Allele origin: germline. Inheritance: Autosomal recessive inheritance. Observed: 1 variant allele, 1 heterozygote.
Comment: This study involves interpretation of variants in research participants for the purpose of population health screening. Participant phenotype was not available at the time of variant classification. Additional details can be found in publication PMID: 35346344, PMCID: PMC8962531